The following is an entry in ClinVar:

ClinVar aggregate classification (germline): Uncertain significance (1 of 4 stars; one submission).

Submission:

Women's Health and Genetics/Laboratory Corporation of America, LabCorp
Classification: Uncertain significance. Last evaluated: 2024-02-13. Review status: criteria provided, single submitter. Criteria: LabCorp Variant Classification Summary - May 2015. Collection method: clinical testing. Allele origin: germline.
Comment: Variant summary: GDF1 c.757C>T (p.Arg253Cys) results in a non-conservative amino acid change in the encoded protein sequence. Three of four in-silico tools predict a damaging effect of the variant on protein function. The variant was absent in 25614 control chromosomes. The available data on variant occurrences in the general population are insufficient to allow any conclusion about variant significance. To our knowledge, no occurrence of c.757C>T in individuals affected with Congenital Heart Disease and no experimental evidence demonstrating its impact on protein function have been reported. No submitters have cited clinical-significance assessments for this variant to ClinVar. Based on the evidence outlined above, the variant was classified as uncertain significance.

NM_001492.6(GDF1):c.757C>T (p.Arg253Cys)

Genes: CERS1 (ceramide synthase 1; minus strand), GDF1 (growth differentiation factor 1; minus strand). Cytogenetic location: 19p13.11.
Variant type: single nucleotide variant.
Coding change: c.757C>T on transcript NM_001492.6 (MANE Select); coding-DNA position 757, C replaced by T.
Protein change: p.Arg253Cys; replaces arginine 253 with cysteine.
Molecular consequence: missense variant. On other transcripts: 3 prime UTR variant (2).
Genome position (GRCh38, 1-based): chr19:18,868,959, G>A on the plus strand (C>T on the coding strand, the complement: GDF1 is on the minus strand). VCF-style: chr19-18868959-G-A. GRCh37 (hg19) VCF-style: chr19-18979768-G-A.
Other names: c.*1618C>T (NM_001387440.1); c.*1026C>T (NM_021267.5); c.757C>T, p.Arg253Cys (NM_001387438.1); short protein forms R253C.
Identifiers: ClinVar variation 3068966 (VCV003068966.2), dbSNP rs2512953286, ClinGen allele CA404862431.